The following is an entry in ClinVar:

NM_021072.4(HCN1):c.296C>G (p.Thr99Ser)

Gene: HCN1 (hyperpolarization activated cyclic nucleotide gated potassium channel 1; minus strand). Cytogenetic location: 5p12.
Variant type: single nucleotide variant.
Coding change: c.296C>G on transcript NM_021072.4 (MANE Select); coding-DNA position 296, C replaced by G.
Protein change: p.Thr99Ser; replaces threonine 99 with serine.
Molecular consequence: missense variant.
Genome position (GRCh38, 1-based): chr5:45,695,798, G>C on the plus strand (C>G on the coding strand, the complement: HCN1 is on the minus strand). VCF-style: chr5-45695798-G-C. GRCh37 (hg19) VCF-style: chr5-45695900-G-C.
Other names: short protein forms T99S.
Identifiers: ClinVar variation 2443477 (VCV002443477.1), dbSNP rs143865339, ClinGen allele CA359706333.
Genomic context (GRCh38, chr5:45,695,798, plus strand): 5'-GCCTTCTGGCTCCCAAACATGCGGAGGGAGAATTTGTTGACCCCGGGCTGCAGCATGGAG[G>C]TGAACTGCCTCTGCATGAAGCCGTACTGCCGCCGGGGCCCCTCGGCGTCTTCGAAGCCCC-3'
Protein context (NP_066550.2, residues 89-109): RQYGFMQRQF[Thr99Ser]SMLQPGVNKF

ClinVar aggregate classification (germline): Uncertain significance (1 of 4 stars; one submission).

gnomAD v4.1: 1 of 1,610,956 alleles (0.000062%); highest among the groups gnomAD compares: South Asian, 0.0011%; no homozygotes.

Submission:

GeneDx
Classification: Uncertain significance. Last evaluated: 2022-09-13. Review status: criteria provided, single submitter. Criteria: GeneDx Variant Classification Process June 2021. Collection method: clinical testing. Allele origin: germline. Affected: yes.
Comment: Not observed at significant frequency in large population cohorts (gnomAD); In silico analysis supports that this missense variant does not alter protein structure/function; Has not been previously published as pathogenic or benign to our knowledge